The following is an entry in ClinVar:

ClinVar aggregate classification (germline): Benign. Review status: criteria provided, multiple submitters, no conflicts (2 of 4 stars). 3 submissions from 3 submitters: Benign (3). Last evaluated 2026-02-02.

Allele frequency attached by ClinVar (database versions not stated): ESP Exome Variant Server 0.00200; 1000 Genomes Project 30x 0.05731; 1000 Genomes Project 0.06230.
gnomAD v4.1: 18,134 of 1,346,202 alleles (1.3%); highest among the groups gnomAD compares: East Asian, 17%; 990 homozygotes.

Submissions (3):

Labcorp Genetics (formerly Invitae), Labcorp
Classification: Benign. Last evaluated: 2026-02-02. Review status: criteria provided, single submitter. Criteria: Invitae Variant Classification Sherloc (09022015). Collection method: clinical testing. Allele origin: germline.

Unidad de Genómica Garrahan, Hospital de Pediatría Garrahan
Classification: Benign. Last evaluated: 2024-01-24. Review status: criteria provided, single submitter. Criteria: ACMG Guidelines, 2015. Collection method: clinical testing. Allele origin: germline. Affected: no. Observed: 25 variant alleles.
Comment: This variant is classified as Benign based on local population frequency. This variant was detected in 26% of patients studied by a panel of primary immunodeficiencies. Number of patients: 25. Only high quality variants are reported.

GeneDx
Classification: Benign. Last evaluated: 2018-11-12. Review status: criteria provided, single submitter. Criteria: GeneDx Variant Classification Process June 2021. Collection method: clinical testing. Allele origin: germline. Affected: yes.

NM_002460.4(IRF4):c.1212+16C>G

Gene: IRF4 (interferon regulatory factor 4; plus strand). Cytogenetic location: 6p25.3.
Variant type: single nucleotide variant.
Coding change: c.1212+16C>G on transcript NM_002460.4 (MANE Select); 16 bases into the intron after coding-DNA position 1212, C replaced by G.
Molecular consequence: intron variant.
Genome position (GRCh38, 1-based): chr6:405,146, C>G. VCF-style: chr6-405146-C-G. GRCh37 (hg19) VCF-style: chr6-405146-C-G.
Other names: c.1209+16C>G (NM_001195286.2).
Identifiers: ClinVar variation 1165341 (VCV001165341.14), dbSNP rs75719951, ClinGen allele CA3612905.
Genomic context (GRCh38, chr6:405,146, plus strand): 5'-GAGTTTCCAGACCCTCAGAGGCAAAGAAAGCTCATCACAGCTCACGTGAGTCCTCAGTTA[C>G]ACTCCTACCATAGTGGCTTCCTGTTCTTTGTAAAGGCCAGAGTTTCATTTAGAAAAGTCC-3'